The following is an entry in ClinVar:

ClinVar aggregate classification (germline): Conflicting classifications of pathogenicity. Review status: criteria provided, conflicting classifications (1 of 4 stars). 10 submissions from 10 submitters: Uncertain significance (9); Likely benign (1). Last evaluated 2026-10-01.

Conditions:
BARD1-related disorder. Also called: BARD1-related condition.
Hereditary cancer-predisposing syndrome. Also called: Neoplastic Syndromes, Hereditary; Tumor predisposition; Hereditary neoplastic syndrome; Hereditary Cancer Syndrome. Identifiers: Orphanet 140162, MedGen C0027672, MeSH D009386, MONDO:0015356.
Familial cancer of breast. Also called: Hereditary breast cancer; hereditary breast carcinoma; BREAST CANCER, FAMILIAL. Identifiers: Orphanet 227535, MedGen C0346153, MONDO:0016419, OMIM 114480. Disease mechanism: loss of function.

Allele frequency attached by ClinVar (database versions not stated): gnomAD exomes below 0.00001 and 0.00001; ExAC 0.00001; gnomAD 0.00001 and 0.00003; TOPMed 0.00009; 1000 Genomes Project 30x 0.00031; 1000 Genomes Project 0.00040.
gnomAD v4.1: 13 of 1,614,152 alleles (0.00081%); highest among the groups gnomAD compares: African/African-American, 0.011%; no homozygotes.

Submissions (10):

St. Jude Molecular Pathology, St. Jude Children's Research Hospital
Classification: Uncertain significance for Familial cancer of breast. Last evaluated: 2026-10-01. Review status: criteria provided, single submitter. Criteria: St. Jude Assertion Criteria 2020. Collection method: clinical testing. Allele origin: germline.
Comment: The BARD1 c.1067A>T p.(Asn356Ile) missense change has a maximum subpopulation frequency of 0.01% in gnomAD v2.1.1. The in silico tool REVEL predicts a benign effect on protein function. This variant was reported to have intermediate homology-directed repair activity (PMID: 26350354). To our knowledge, this variant has not been reported as p athogenic in individuals with BARD1-related disease. In summary, the evidence currently available is insufficient to determine the clinical significance of this variant. It has therefore been classified as of uncertain significance. (VUS-Low).

Institute for Biomarker Research, Medical Diagnostic Laboratories, L.L.C.
Classification: Uncertain significance for Hereditary cancer-predisposing syndrome. Last evaluated: 2026-06-24. Review status: criteria provided, single submitter. Criteria: ACMG Guidelines, 2015. Collection method: clinical testing. Allele origin: germline.
Comment: The missense variant NM_000465.4(BARD1):c.1067A>T (p.Asn356Ile) is not currently classified as pathogenic in clinical sources (Accession: VCV000141035.27). The variant is observed in one or more well-documented healthy adults. There is a large physicochemical difference between asparagine and isoleucine, which is likely to impact secondary protein structure as these residues differ in polarity, charge, size and/or other properties. For these reasons, this variant has been classified as Uncertain Significance.

Labcorp Genetics (formerly Invitae), Labcorp
Classification: Uncertain significance for Familial cancer of breast. Last evaluated: 2025-11-24. Review status: criteria provided, single submitter. Criteria: Invitae Variant Classification Sherloc (09022015). Collection method: clinical testing. Allele origin: germline.
Comment: This sequence change replaces asparagine, which is neutral and polar, with isoleucine, which is neutral and non-polar, at codon 356 of the BARD1 protein (p.Asn356Ile). This variant is present in population databases (rs577834428, gnomAD 0.01%). This missense change has been observed in individual(s) with with clinical features of hereditary breast and ovarian cancer syndrome (PMID: 26350354). ClinVar contains an entry for this variant (Variation ID: 141035). An algorithm developed to predict the effect of missense changes on protein structure and function (PolyPhen-2) suggests that this variant is likely to be tolerated. Experimental studies have shown that this missense change does not substantially affect BARD1 function (PMID: 26350354). In summary, the available evidence is currently insufficient to determine the role of this variant in disease. Therefore, it has been classified as a Variant of Uncertain Significance.

PreventionGenetics, part of Exact Sciences
Classification: Uncertain significance for BARD1-related condition. Last evaluated: 2025-09-24. Review status: criteria provided, single submitter. Criteria: ACMG Guidelines, 2015. Collection method: clinical testing. Allele origin: germline.
Comment: The BARD1 c.1067A>T variant is predicted to result in the amino acid substitution p.Asn356Ile. This variant was reported in an individual with breast and/or ovarian cancer, and in a breast cancer cohort where limited clinical information was provided (Leiden Open Variation Database ID: BARD1_000315, Breast Cancer Association Consortium et al. 2021. PubMed ID: 33471991; Adedokun et al. 2020. PubMed ID: 31871109). It was also reported in a cohort of African males with prostate cancer (Matejcic et al. 2020. PubMed ID: 32832836). A functional study suggests that this variant retains 65% of normal homology-directed repair function compared to wild-type (Lee et al. 2015. PubMed ID: 26350354). This variant is reported in 0.012% of alleles in individuals of African descent in gnomAD, and has interpretations ranging from likely benign to uncertain in ClinVar (Variation ID: 141035). At this time, the clinical significance of this variant is uncertain due to the absence of conclusive functional and genetic evidence.

GeneDx
Classification: Uncertain significance. Last evaluated: 2025-08-27. Review status: criteria provided, single submitter. Criteria: GeneDx Variant Classification Process June 2021. Collection method: clinical testing. Allele origin: germline. Affected: yes.
Comment: Not observed at significant frequency in large population cohorts (gnomAD); In silico analysis suggests that this missense variant does not alter protein structure/function; Published functional studies demonstrate intermediate homology-directed repair activity and ability to bind BRCA1 (PMID: 26350354); This variant is associated with the following publications: (PMID: 31871109, 33471991, 32832836, 26350354)

Ambry Genetics
Classification: Uncertain significance for Hereditary cancer-predisposing syndrome. Last evaluated: 2025-05-30. Review status: criteria provided, single submitter. Criteria: Ambry Variant Classification Scheme 2023. Collection method: clinical testing. Allele origin: germline.
Comment: The p.N356I variant (also known as c.1067A>T), located in coding exon 4 of the BARD1 gene, results from an A to T substitution at nucleotide position 1067. The asparagine at codon 356 is replaced by isoleucine, an amino acid with dissimilar properties. Functional analyses demonstrates that this variant retains 65% homology-directed repair function compared to wild-type (Lee C et al. Hum Mutat, 2015 Dec;36:1205-14). In a study of 196 women with breast cancer and 185 unaffected controls from Cameroon and Uganda, this variant was observed in two women, but the authors did not specify if they were in the case or control group (Adedokun B et al. Cancer Epidemiol Biomarkers Prev, 2020 02;29:359-367). This variant was identified in a cohort of 3,579 African males diagnosed with prostate cancer who underwent multi-gene panel testing (Matejcic M et al. JCO Precis Oncol, 2020 Jan;4:32-43). This amino acid position is not well conserved in available vertebrate species. In addition, this alteration is predicted to be tolerated by in silico analysis. Since supporting evidence is limited at this time, the clinical significance of this alteration remains unclear.

Myriad Genetics, Inc.
Classification: Likely benign for Familial cancer of breast. Last evaluated: 2024-07-24. Review status: criteria provided, single submitter. Criteria: Myriad Autosomal Dominant, Autosomal Recessive and X-Linked Classification Criteria (2023). Collection method: clinical testing. Allele origin: unknown.
Comment: This variant is considered likely benign. This variant is strongly associated with less severe personal and family histories of cancer, typical for individuals without pathogenic variants in this gene [PMID: 25085752].

Quest Diagnostics Nichols Institute San Juan Capistrano
Classification: Uncertain significance. Last evaluated: 2023-11-24. Review status: criteria provided, single submitter. Criteria: Quest Diagnostics criteria. Collection method: clinical testing. Allele origin: unknown.
Comment: The BARD1 c.1067A>T (p.Asn356Ile) variant has been reported in the published literature in individuals with breast cancer (PMID: 31871109 (2019), 33471991 (2021), see also LOVD). This variant was also reported in a prostate cancer screening study (PMID: 32832836 (2020)). A published functional study has reported that this variant does not have a deleterious impact on BARD1 protein function (PMID: 26350354 (2015)). The frequency of this variant in the general population, 0.000012 (3/251282 chromosomes (Genome Aggregation Database)), is uninformative in the assessment of its pathogenicity. Analysis of this variant using bioinformatics tools for the prediction of the effect of amino acid changes on protein structure and function yielded predictions that this variant is benign. Based on the available information, we are unable to determine the clinical significance of this variant.

Color Diagnostics, LLC DBA Color Health
Classification: Uncertain significance for Hereditary cancer-predisposing syndrome. Last evaluated: 2023-10-02. Review status: criteria provided, single submitter. Criteria: ACMG Guidelines, 2015. Collection method: clinical testing. Allele origin: germline.
Comment: This missense variant replaces asparagine with isoleucine at codon 356 of the BARD1 protein. Computational prediction suggests that this variant may not impact protein structure and function (internally defined REVEL score threshold <= 0.5, PMID: 27666373). A functional study has shown this variant has intermediate activity in a homology-mediated DNA repair assay (PMID: 26350354). This variant has been reported in an individual affected with breast cancer (PMID: 33471991; Leiden Open Variation Database DB-ID BARD1_000315). This variant has been identified in 3/251282 chromosomes in the general population by the Genome Aggregation Database (gnomAD). The available evidence is insufficient to determine the role of this variant in disease conclusively. Therefore, this variant is classified as a Variant of Uncertain Significance.

Sema4
Classification: Uncertain significance for Hereditary cancer-predisposing syndrome. Last evaluated: 2021-12-21. Review status: criteria provided, single submitter. Criteria: Sema4 Curation Guidelines. Collection method: curation. Allele origin: germline.
Comment: The BARD1 c.1067A>T (p.N356I) variant has been reported in heterozygosity in at least 2 individuals with breast cancer (PMID: 31871109). It has been reported in 1 case and not in controls in a large dataset of 60,466 women with breast cancer and 53,461controls (PMID: 33471991). It was observed in 2/16256 chromosomes of the African/African American (AFR) subpopulation in the large and broad cohorts of the Genome Aggregation Database (PMID: 32461654). This variant has been reported in ClinVar (Variation ID 141035). In silico predictions of the variant's effect on protein function are inconclusive. A homology-directed repair (HDR) functional study demonstrated this variant has about 65% HDR activity compared to wildtype, which is clearly in the functional range. (PMID: 26350354). The evidence is insufficient to meet ACMG/AMP criteria for classifying the variant as benign or pathogenic. Thus, the clinical significance of this variant is currently uncertain.

Literature cited by the submitters: PubMed 26350354 (cited by 5 submitters); PubMed 31871109 (cited by 3 submitters); PubMed 32832836 (cited by Ambry Genetics and Quest Diagnostics Nichols Institute San Juan Capistrano); PubMed 25085752 (cited by Myriad Genetics, Inc.); PubMed 33471991 (cited by 3 submitters).

NM_000465.4(BARD1):c.1067A>T (p.Asn356Ile)

Gene: BARD1 (BRCA1 associated RING domain 1; minus strand). Cytogenetic location: 2q35.
Variant type: single nucleotide variant.
Coding change: c.1067A>T on transcript NM_000465.4 (MANE Select); coding-DNA position 1067, A replaced by T.
Protein change: p.Asn356Ile; replaces asparagine 356 with isoleucine.
Molecular consequence: missense variant. On other transcripts: non-coding transcript variant (2), intron variant (3).
Genome position (GRCh38, 1-based): chr2:214,780,807, T>A on the plus strand (A>T on the coding strand, the complement: BARD1 is on the minus strand). VCF-style: chr2-214780807-T-A. GRCh37 (hg19) VCF-style: chr2-215645531-T-A.
Other names: c.1010A>T, p.Asn337Ile (NM_001282543.2); c.159-28252A>T (NM_001282548.2); c.215+16254A>T (NM_001282545.2); c.364+11490A>T (NM_001282549.2); short protein forms N356I, N337I.
Identifiers: ClinVar variation 141035 (VCV000141035.30), dbSNP rs577834428, ClinGen allele CA164292.
Genomic context (GRCh38, chr2:214,780,807, plus strand): 5'-GATGTACCACCAACTTTACGTTTGCATGAAGGTGGTGAAGAACATTCAGGCAATGGTATA[T>A]TTTCTGAGGGCACCGTTTGCTTAACAAAATCTCCACTGGTGCTCAGAATGCTGGTTCTAC-3'
Protein context (NP_000456.2, residues 346-366): DFVKQTVPSE[Asn356Ile]IPLPECSSPP